The following is an entry in ClinVar:

ClinVar aggregate classification (germline): Uncertain significance. Review status: criteria provided, multiple submitters, no conflicts (2 of 4 stars). 2 submissions from 2 submitters: Uncertain significance (2). Last evaluated 2024-10-20.

Conditions:
Oculofaciocardiodental syndrome (MCOPS2). Identifiers: Orphanet 2712, MedGen C1846265, MONDO:0010261, OMIM 300166.
Inborn genetic diseases. Identifiers: MedGen C0950123, MeSH D030342.

Allele frequency attached by ClinVar (database versions not stated): gnomAD exomes below 0.00001.
gnomAD v4.1: 1 of 1,177,214 alleles (0.000085%); highest among the groups gnomAD compares: Non-Finnish European, 0.00011%; no homozygotes.

Submissions (2):

Labcorp Genetics (formerly Invitae), Labcorp
Classification: Uncertain significance for Oculofaciocardiodental syndrome. Last evaluated: 2024-10-20. Review status: criteria provided, single submitter. Criteria: Invitae Variant Classification Sherloc (09022015). Collection method: clinical testing. Allele origin: germline.
Comment: This sequence change replaces alanine, which is neutral and non-polar, with proline, which is neutral and non-polar, at codon 1273 of the BCOR protein (p.Ala1273Pro). This variant is not present in population databases (gnomAD no frequency). This variant has not been reported in the literature in individuals affected with BCOR-related conditions. ClinVar contains an entry for this variant (Variation ID: 2228761). An algorithm developed to predict the effect of missense changes on protein structure and function (PolyPhen-2) suggests that this variant is likely to be tolerated. In summary, the available evidence is currently insufficient to determine the role of this variant in disease. Therefore, it has been classified as a Variant of Uncertain Significance.

Ambry Genetics
Classification: Uncertain significance for Inborn genetic diseases. Last evaluated: 2021-01-26. Review status: criteria provided, single submitter. Criteria: Ambry Variant Classification Scheme 2023. Collection method: clinical testing. Allele origin: germline.
Comment: The c.3919G>C (p.A1307P) alteration is located in exon 9 (coding exon 8) of the BCOR gene. This alteration results from a G to C substitution at nucleotide position 3919, causing the alanine (A) at amino acid position 1307 to be replaced by a proline (P). The p.A1307P alteration is predicted to be tolerated by in silico analysis. Based on insufficient or conflicting evidence, the clinical significance of this alteration remains unclear.

NM_001123385.2(BCOR):c.3919G>C (p.Ala1307Pro)

Gene: BCOR (BCL6 corepressor; minus strand). Cytogenetic location: Xp11.4.
Variant type: single nucleotide variant.
Coding change: c.3919G>C on transcript NM_001123385.2 (MANE Select); coding-DNA position 3919, G replaced by C.
Protein change: p.Ala1307Pro; replaces alanine 1307 with proline.
Molecular consequence: missense variant.
Genome position (GRCh38, 1-based): chrX:40,063,000, C>G on the plus strand (G>C on the coding strand, the complement: BCOR is on the minus strand). VCF-style: chrX-40063000-C-G. GRCh37 (hg19) VCF-style: chrX-39922253-C-G.
Other names: c.3817G>C, p.Ala1273Pro (NM_001123383.2, NM_017745.6); c.3763G>C, p.Ala1255Pro (NM_001123384.2); short protein forms A1307P, A1273P, A1255P.
Identifiers: ClinVar variation 2228761 (VCV002228761.4), dbSNP rs769942209, ClinGen allele CA10386535.